The following is an entry in ClinVar:

ClinVar aggregate classification (germline): Uncertain significance (1 of 4 stars; one submission).

Conditions:
Ullrich congenital muscular dystrophy 2 (UCMD2). Identifiers: Orphanet 75840, MedGen C4225314, MONDO:0014654, OMIM 616470.
Bethlem myopathy 2 (BTHLM2). Identifiers: Orphanet 536516, Orphanet 610, MedGen C4225313, MONDO:0034022, OMIM 616471.

Allele frequency attached by ClinVar (database versions not stated): gnomAD exomes below 0.00001.

Submission:

Labcorp Genetics (formerly Invitae), Labcorp
Classification: Uncertain significance for Bethlem myopathy 2; Ullrich congenital muscular dystrophy 2. Last evaluated: 2022-06-03. Review status: criteria provided, single submitter. Criteria: Invitae Variant Classification Sherloc (09022015). Collection method: clinical testing. Allele origin: germline.
Comment: In summary, the available evidence is currently insufficient to determine the role of this variant in disease. Therefore, it has been classified as a Variant of Uncertain Significance. Algorithms developed to predict the effect of missense changes on protein structure and function are either unavailable or do not agree on the potential impact of this missense change (SIFT: "Deleterious"; PolyPhen-2: "Probably Damaging"; Align-GVGD: "Class C0"). ClinVar contains an entry for this variant (Variation ID: 970647). This variant has not been reported in the literature in individuals affected with COL12A1-related conditions. This variant is present in population databases (no rsID available, gnomAD 0.0009%). This sequence change replaces phenylalanine, which is neutral and non-polar, with valine, which is neutral and non-polar, at codon 33 of the COL12A1 protein (p.Phe33Val).

NM_004370.6(COL12A1):c.97T>G (p.Phe33Val)

Gene: COL12A1 (collagen type XII alpha 1 chain; minus strand). Cytogenetic location: 6q13.
Variant type: single nucleotide variant.
Coding change: c.97T>G on transcript NM_004370.6 (MANE Select); coding-DNA position 97, T replaced by G.
Protein change: p.Phe33Val; replaces phenylalanine 33 with valine.
Molecular consequence: missense variant. On other transcripts: intron variant (1).
Genome position (GRCh38, 1-based): chr6:75,194,924, A>C on the plus strand (T>G on the coding strand, the complement: COL12A1 is on the minus strand). VCF-style: chr6-75194924-A-C. GRCh37 (hg19) VCF-style: chr6-75904640-A-C.
Other names: c.73+7796T>G (NM_080645.3); short protein forms F33V.
Identifiers: ClinVar variation 970647 (VCV000970647.10), dbSNP rs1442527803, ClinGen allele CA364732198.